The following is an entry in ClinVar:

ClinVar aggregate classification (germline): Benign. Review status: criteria provided, multiple submitters, no conflicts (2 of 4 stars). 4 submissions from 4 submitters: Benign (3). 1 of the submissions does not count toward it. Last evaluated 2024-11-06.

Conditions:
LMX1A-related disorder. Also called: LMX1A-related condition.

Allele frequency attached by ClinVar (database versions not stated): ExAC 0.00345; gnomAD 0.01074 and 0.01144; 1000 Genomes Project 30x 0.01171; gnomAD exomes 0.00111 and 0.00275; TOPMed 0.01231; 1000 Genomes Project 0.01058; ESP Exome Variant Server 0.01299.
gnomAD v4.1: 3,367 of 1,614,056 alleles (0.21%); highest among the groups gnomAD compares: African/African-American, 3.8%; 48 homozygotes.

Submissions (4):

Mayo Clinic Laboratories, Mayo Clinic
Classification: Benign. Last evaluated: 2024-11-06. Review status: criteria provided, single submitter. Criteria: ACMG Guidelines, 2015. Collection method: clinical testing. Allele origin: germline. Observed: 2 variant alleles.
Comment: BA1, BP4, BP7

Labcorp Genetics (formerly Invitae), Labcorp
Classification: Benign. Last evaluated: 2018-04-30. Review status: criteria provided, single submitter. Criteria: Invitae Variant Classification Sherloc (09022015). Collection method: clinical testing. Allele origin: germline.

Breakthrough Genomics
Classification: Benign. Review status: criteria provided, single submitter. Criteria: ACMG Guidelines, 2015. Collection method: not provided. Allele origin: germline. Inheritance: Autosomal dominant inheritance. Affected: yes.

PreventionGenetics, part of Exact Sciences
Classification: Benign for LMX1A-related condition. Last evaluated: 2019-05-20. Review status: no assertion criteria provided. Collection method: clinical testing. Allele origin: germline. Not counted in ClinVar's aggregate classification.
Comment: This variant is classified as benign based on ACMG/AMP sequence variant interpretation guidelines (Richards et al. 2015 PMID: 25741868, with internal and published modifications).

NM_177398.4(LMX1A):c.951C>T (p.Thr317=)

Genes: LMX1A (LIM homeobox transcription factor 1 alpha; minus strand), LMX1A-AS2 (LMX1A antisense RNA 2; plus strand). Cytogenetic location: 1q23.3.
Variant type: single nucleotide variant.
Coding change: c.951C>T on transcript NM_177398.4 (MANE Select); coding-DNA position 951, C replaced by T.
Protein change: p.Thr317=; no amino-acid change (threonine 317 retained).
Molecular consequence: synonymous variant.
Genome position (GRCh38, 1-based): chr1:165,205,901, G>A on the plus strand (C>T on the coding strand, the complement: LMX1A is on the minus strand). VCF-style: chr1-165205901-G-A. GRCh37 (hg19) VCF-style: chr1-165175138-G-A.
Other names: p.Thr317=; c.951C>T, p.Thr317= (NM_001174069.2).
Identifiers: ClinVar variation 777953 (VCV000777953.7), dbSNP rs35130714, ClinGen allele CA1219655.
Genomic context (GRCh38, chr1:165,205,901, plus strand): 5'-CGAGGGGCTTAAGTCCCTCTTACCATAAGGGTGCATGTGGTCTCCAGGCATCTGGGGTGG[G>A]GTGAGACCCTGTCGGAAGGGATCTGAGCTGTAGACACTCTGCTCGATGGCCAGGAGCTGC-3'
Protein context (NP_796372.1, residues 307-327): YSSDPFRQGL[Thr317=]PPQMPGDHMH